The following is an entry in ClinVar:

NM_022893.4(BCL11A):c.484A>G (p.Ile162Val)

Gene: BCL11A (BCL11 transcription factor A; minus strand). Cytogenetic location: 2p16.1.
Variant type: single nucleotide variant.
Coding change: c.484A>G on transcript NM_022893.4 (MANE Select); coding-DNA position 484, A replaced by G.
Protein change: p.Ile162Val; replaces isoleucine 162 with valine.
Molecular consequence: missense variant. On other transcripts: non-coding transcript variant (1), intron variant (10).
Genome position (GRCh38, 1-based): chr2:60,468,735, T>C on the plus strand (A>G on the coding strand, the complement: BCL11A is on the minus strand). VCF-style: chr2-60468735-T-C. GRCh37 (hg19) VCF-style: chr2-60695870-T-C.
Other names: c.484A>G, p.Ile162Val (NM_001405708.1, NM_001405709.1, NM_001405710.1 and 4 more transcripts); c.328A>G, p.Ile110Val (NM_001405713.1, NM_001405714.1, NM_001405715.1 and 6 more transcripts); c.151A>G, p.Ile51Val (NM_001405720.1, NM_001405721.1); c.28A>G, p.Ile10Val (NM_001405725.1, NM_001405726.1, NM_001405727.1 and 2 more transcripts); c.386-6311A>G (NM_001363864.1, NM_001405733.1, NM_001405719.1 and 3 more transcripts); c.230-6311A>G (NM_001405736.1, NM_001405724.1, NM_001405718.1 and 1 more transcripts); short protein forms I10V, I110V, I162V, I51V.
Identifiers: ClinVar variation 3347909 (VCV003347909.1).

ClinVar aggregate classification (germline): Uncertain significance (0 of 4 stars; one submission).

Conditions:
BCL11A-related disorder. Also called: BCL11A-related condition.

gnomAD v4.1: 2 of 1,609,276 alleles (0.00012%); highest among the groups gnomAD compares: African/African-American, 0.0027%; no homozygotes.

Submission:

PreventionGenetics, part of Exact Sciences
Classification: Uncertain significance for BCL11A-related condition. Last evaluated: 2024-05-01. Review status: no assertion criteria provided. Collection method: clinical testing. Allele origin: germline.
Comment: The BCL11A c.484A>G variant is predicted to result in the amino acid substitution p.Ile162Val. To our knowledge, this variant has not been reported in the literature or in a large population database, indicating this variant is rare. At this time, the clinical significance of this variant is uncertain due to the absence of conclusive functional and genetic evidence.